The following is an entry in ClinVar:

ClinVar aggregate classification (germline): Uncertain significance (1 of 4 stars; one submission).

Conditions:
Early Myoclonic Encephalopathy. Identifiers: MedGen C0270855.

Allele frequency attached by ClinVar (database versions not stated): gnomAD exomes below 0.00001.
gnomAD v4.1: 2 of 1,614,150 alleles (0.00012%); highest among the groups gnomAD compares: East Asian, 0.0022%; no homozygotes.

Submission:

Labcorp Genetics (formerly Invitae), Labcorp
Classification: Uncertain significance for Early Myoclonic Encephalopathy. Last evaluated: 2019-12-14. Review status: criteria provided, single submitter. Criteria: Invitae Variant Classification Sherloc (09022015). Collection method: clinical testing. Allele origin: germline.
Comment: Algorithms developed to predict the effect of missense changes on protein structure and function output the following: SIFT: "Deleterious"; PolyPhen-2: "Benign"; Align-GVGD: "Class C0". The arginine amino acid residue is found in multiple mammalian species, suggesting that this missense change does not adversely affect protein function. These predictions have not been confirmed by published functional studies and their clinical significance is uncertain. Algorithms developed to predict the effect of sequence changes on RNA splicing suggest that this variant may create or strengthen a splice site, but this prediction has not been confirmed by published transcriptional studies. In summary, the available evidence is currently insufficient to determine the role of this variant in disease. Therefore, it has been classified as a Variant of Uncertain Significance. This variant has not been reported in the literature in individuals with JMJD1C-related conditions. This sequence change replaces lysine with arginine at codon 91 of the JMJD1C protein (p.Lys91Arg). The lysine residue is weakly conserved and there is a small physicochemical difference between lysine and arginine. This variant is not present in population databases (ExAC no frequency).

NM_032776.3(JMJD1C):c.272A>G (p.Lys91Arg)

Gene: JMJD1C (jumonji domain containing 1C; minus strand). Cytogenetic location: 10q21.3.
Variant type: single nucleotide variant.
Coding change: c.272A>G on transcript NM_032776.3 (MANE Select); coding-DNA position 272, A replaced by G.
Protein change: p.Lys91Arg; replaces lysine 91 with arginine.
Molecular consequence: missense variant. On other transcripts: 5 prime UTR variant (2).
Genome position (GRCh38, 1-based): chr10:63,380,379, T>C on the plus strand (A>G on the coding strand, the complement: JMJD1C is on the minus strand). VCF-style: chr10-63380379-T-C. GRCh37 (hg19) VCF-style: chr10-65140139-T-C.
Other names: c.-275A>G (NM_001318154.2); c.272A>G, p.Lys91Arg (NM_001322252.2); c.-280A>G (NM_001322258.2); short protein forms K91R.
Identifiers: ClinVar variation 856364 (VCV000856364.10), dbSNP rs1947120059, ClinGen allele CA377086465.